The following is an entry in ClinVar:

ClinVar aggregate classification (germline): Uncertain significance (1 of 4 stars; one submission).

Conditions:
Charcot-Marie-Tooth disease dominant intermediate B (CMTDIB). Also called: Charcot-Marie-Tooth disease dominant intermediate 1; CMT DI1; Charcot-Marie-Tooth disease dominant intermediate I; CHARCOT-MARIE-TOOTH NEUROPATHY, DOMINANT INTERMEDIATE B. Identifiers: Orphanet 100044, Orphanet 228179, MedGen C1847902, MONDO:0011674, OMIM 606482.

Submission:

Clinical Genetics Laboratory, Skane University Hospital Lund
Classification: Uncertain significance for Charcot-Marie-Tooth disease dominant intermediate B. Last evaluated: 2025-03-10. Review status: criteria provided, single submitter. Criteria: ACMG Guidelines, 2015. Collection method: clinical testing. Allele origin: germline. Affected: yes.
Comment: ACMG criteria used: PM2, PP3.

NM_001365536.1(SCN9A):c.596+2_596+3insTT

Gene: SCN9A (sodium voltage-gated channel alpha subunit 9; minus strand). Cytogenetic location: 2q24.3.
Variant type: Insertion.
Coding change: c.596+2_596+3insTT on transcript NM_001365536.1 (MANE Select); the canonical splice donor site of the intron after coding-DNA position 596 through 3 bases into the intron after coding-DNA position 596, TT inserted.
Molecular consequence: splice donor variant.
Genome position: GRCh38 VCF-style: chr2-166305789-T-TAA. GRCh37 (hg19) VCF-style: chr2-167162299-T-TAA.
Other names: c.596+2_596+3insTT (NM_002977.4).
Identifiers: ClinVar variation 3767268 (VCV003767268.1).
Genomic context (GRCh38, chr2:166,305,789, plus strand): 5'-TGGAACACTGTGCTGCCTGAGATTTTCATAAATTTGCCGTTTCAAAAAGCTGAAAGTACT[T>TAA]ACGCAAAAACAATGACGACAAAATCCAGCCAGTTCCACGGGTCACGAAGAAAAGTGAATT-3'